The following is an entry in ClinVar:

NM_001166108.2(PALLD):c.2295A>G (p.Ile765Met)

Genes: CBR4 (carbonyl reductase 4; minus strand), PALLD (palladin, cytoskeletal associated protein; plus strand). Cytogenetic location: 4q32.3.
Variant type: single nucleotide variant.
Coding change: c.2295A>G on transcript NM_001166108.2 (MANE Select); coding-DNA position 2295, A replaced by G.
Protein change: p.Ile765Met; replaces isoleucine 765 with methionine.
Molecular consequence: missense variant.
Genome position (GRCh38, 1-based): chr4:168,898,537, A>G. VCF-style: chr4-168898537-A-G. GRCh37 (hg19) VCF-style: chr4-169819688-A-G.
Other names: c.1098A>G, p.Ile366Met (NM_001166109.2); c.783A>G, p.Ile261Met (NM_001166110.2); c.123A>G, p.Ile41Met (NM_001367567.1, NM_001367569.1); c.174A>G, p.Ile58Met (NM_001367568.1, NM_001367570.1); c.2244A>G, p.Ile748Met (NM_016081.4); short protein forms I748M, I58M, I261M, I366M, I41M, I765M.
Identifiers: ClinVar variation 1788313 (VCV001788313.2), dbSNP rs2533731654, ClinGen allele CA358798689.

ClinVar aggregate classification (germline): Uncertain significance (1 of 4 stars; one submission).

Submission:

Ambry Genetics
Classification: Uncertain significance. Last evaluated: 2022-09-04. Review status: criteria provided, single submitter. Criteria: Ambry Variant Classification Scheme 2023. Collection method: clinical testing. Allele origin: germline.
Comment: The p.I748M variant (also known as c.2244A>G), located in coding exon 12 of the PALLD gene, results from an A to G substitution at nucleotide position 2244. The isoleucine at codon 748 is replaced by methionine, an amino acid with highly similar properties. This amino acid position is conserved. In addition, the in silico prediction for this alteration is inconclusive. Since supporting evidence is limited at this time, the clinical significance of this alteration remains unclear.